The following is an entry in ClinVar:

NM_000059.4(BRCA2):c.5938A>C (p.Thr1980Pro)

Gene: BRCA2 (BRCA2 DNA repair associated; plus strand). Cytogenetic location: 13q13.1.
Variant type: single nucleotide variant.
Coding change: c.5938A>C on transcript NM_000059.4 (MANE Select); coding-DNA position 5938, A replaced by C.
Protein change: p.Thr1980Pro; replaces threonine 1980 with proline.
Molecular consequence: missense variant.
Genome position (GRCh38, 1-based): chr13:32,340,293, A>C. VCF-style: chr13-32340293-A-C. GRCh37 (hg19) VCF-style: chr13-32914430-A-C.
Other names: short protein forms T1980P.
Identifiers: ClinVar variation 462394 (VCV000462394.26), dbSNP rs55877890, ClinGen allele CA6940915.

ClinVar aggregate classification (germline): Conflicting classifications of pathogenicity. Review status: criteria provided, conflicting classifications (1 of 4 stars). 8 submissions from 8 submitters: Uncertain significance (7); Likely benign (1). Last evaluated 2026-01-10.

Conditions:
Hereditary cancer-predisposing syndrome. Also called: Hereditary neoplastic syndrome; Neoplastic Syndromes, Hereditary; Tumor predisposition; Hereditary Cancer Syndrome. Identifiers: Orphanet 140162, MedGen C0027672, MeSH D009386, MONDO:0015356.
Hereditary breast ovarian cancer syndrome. Also called: Hereditary breast and/or ovarian cancer syndrome; BRCA1- and BRCA2-Associated Hereditary Breast and Ovarian Cancer; Hereditary breast and ovarian cancer; Breast and ovarian cancer; Hereditary breast and ovarian cancer syndrome; Hereditary breast and ovarian cancer syndrome (HBOC). Identifiers: Orphanet 145, MedGen C0677776, MeSH D061325, MONDO:0003582. Disease mechanism: loss of function.
Fanconi anemia complementation group D1. Also called: BRCA2-Related Fanconi Anemia. Identifiers: Orphanet 319462, MedGen C1838457, MONDO:0011584, OMIM 605724.
Breast-ovarian cancer, familial, susceptibility to, 2 (BROVCA2). Also called: BRCA2 Hereditary Breast and Ovarian Cancer. Identifiers: Orphanet 145, MedGen C2675520, MONDO:0012933, OMIM 612555. Disease mechanism: loss of function.

Allele frequency attached by ClinVar (database versions not stated): gnomAD exomes below 0.00001; ExAC 0.00001.
gnomAD v4.1: 4 of 1,613,972 alleles (0.00025%); highest among the groups gnomAD compares: Non-Finnish European, 0.00034%; no homozygotes.

Submissions (8):

Labcorp Genetics (formerly Invitae), Labcorp
Classification: Uncertain significance for Hereditary breast ovarian cancer syndrome. Last evaluated: 2026-01-10. Review status: criteria provided, single submitter. Criteria: Invitae Variant Classification Sherloc (09022015). Collection method: clinical testing. Allele origin: germline.
Comment: This sequence change replaces threonine, which is neutral and polar, with proline, which is neutral and non-polar, at codon 1980 of the BRCA2 protein (p.Thr1980Pro). This variant is not present in population databases (gnomAD no frequency). This variant has not been reported in the literature in individuals affected with BRCA2-related conditions. ClinVar contains an entry for this variant (Variation ID: 462394). Invitae Evidence Modeling of protein sequence and biophysical properties (such as structural, functional, and spatial information, amino acid conservation, physicochemical variation, residue mobility, and thermodynamic stability) has been performed for this missense variant. However, the output from this modeling did not meet the statistical confidence thresholds required to predict the impact of this variant on BRCA2 protein function. In summary, the available evidence is currently insufficient to determine the role of this variant in disease. Therefore, it has been classified as a Variant of Uncertain Significance.

Color Diagnostics, LLC DBA Color Health
Classification: Uncertain significance for Hereditary cancer-predisposing syndrome. Last evaluated: 2025-09-22. Review status: criteria provided, single submitter. Criteria: ACMG Guidelines, 2015. Collection method: clinical testing. Allele origin: germline.
Comment: This missense variant replaces threonine with proline at codon 1980 of the BRCA2 protein. Computational prediction suggests that this variant may have deleterious impact on protein structure and function. To our knowledge, functional studies have not been reported for this variant. This variant has been detected in a breast cancer case-control meta-analysis in 1/60466 cases and 0/53461 unaffected individuals (PMID: 33471991Leiden Open Variation Database DB-ID BRCA2_007408). This variant has not been identified in the general population by the Genome Aggregation Database (gnomAD). The available evidence is insufficient to determine the role of this variant in disease conclusively. Therefore, this variant is classified as a Variant of Uncertain Significance.

GeneDx
Classification: Uncertain significance. Last evaluated: 2025-03-07. Review status: criteria provided, single submitter. Criteria: GeneDx Variant Classification Process June 2021. Collection method: clinical testing. Allele origin: germline. Affected: yes.
Comment: Not observed at significant frequency in large population cohorts (gnomAD); In silico analysis supports that this missense variant has a deleterious effect on protein structure/function; Also known as 6166A>C; This variant is associated with the following publications: (PMID: 9002670, 22193408, 33471991, 33574475)

Molecular Pathology, Peter Maccallum Cancer Centre
Classification: Uncertain significance for Breast-ovarian cancer, familial, susceptibility to, 2. Last evaluated: 2024-05-10. Review status: criteria provided, single submitter. Criteria: ACMG Guidelines, 2015. Collection method: clinical testing. Allele origin: germline. Inheritance: Autosomal dominant inheritance.

All of Us Research Program, National Institutes of Health
Classification: Uncertain significance for Breast-ovarian cancer, familial, susceptibility to, 2. Last evaluated: 2023-05-04. Review status: criteria provided, single submitter. Criteria: ACMG Guidelines, 2015. Collection method: clinical testing. Allele origin: germline. Inheritance: Autosomal dominant inheritance. Observed: 1 variant allele, 1 heterozygote.
Comment: This missense variant replaces threonine with proline at codon 1980 of the BRCA2 protein. Computational prediction suggests that this variant may have deleterious impact on protein structure and function (internally defined REVEL score threshold >= 0.7, PMID: 27666373). To our knowledge, functional studies have not been reported for this variant. This variant has been reported in an individual affected with breast cancer (PMID: 33471991; Leiden Open Variation Database DB-ID BRCA2_007408). This variant has not been identified in the general population by the Genome Aggregation Database (gnomAD). The available evidence is insufficient to determine the role of this variant in disease conclusively. Therefore, this variant is classified as a Variant of Uncertain Significance.

This study involves interpretation of variants in research participants for the purpose of population health screening. Participant phenotype was not available at the time of variant classification. Additional details can be found in publication PMID: 35346344, PMCID: PMC8962531

University of Washington Department of Laboratory Medicine, University of Washington
Classification: Likely benign for Hereditary cancer-predisposing syndrome. Last evaluated: 2023-03-23. Review status: criteria provided, single submitter. Criteria: Dines et al. (Genet Med. 2020). Collection method: curation. Allele origin: germline.
Comment: Missense variant in a coldspot region where missense variants are very unlikely to be pathogenic (PMID:31911673).

BRCA2 exon 11 coldspot. Reclassification based on statistical prior probability.

Genetics and Molecular Pathology, SA Pathology
Classification: Uncertain significance for Fanconi anemia complementation group D1. Last evaluated: 2023-01-12. Review status: criteria provided, single submitter. Criteria: ACMG Guidelines, 2015. Collection method: clinical testing. Allele origin: germline. Inheritance: Autosomal recessive inheritance. Affected: yes.
Comment: The BRCA2 c.5938A>C variant is classified as VUS (PM2, PP3) The BRCA2 c.5938A>C variant is a single nucleotide change in exon 11/27 of the BRCA2 gene, which is predicted to change the amino acid threonine at position 1980 in the protein to proline. This variant is absent from population databases (PM2). This variant has been reported in an individual affected with breast cancer (PMID: 33471991; Leiden Open Variation Database DB-ID BRCA2_007408) Computational predictions support a deleterious effect on the gene or gene product (PP3). The variant has been reported in dbSNP (rs55877890) and has been reported as Uncertain significance by other diagnostic laboratories (ClinVar Variation ID: 462394). It has not been reported in HGMD.

Ambry Genetics
Classification: Uncertain significance for Hereditary cancer-predisposing syndrome. Last evaluated: 2022-10-18. Review status: criteria provided, single submitter. Criteria: Ambry Variant Classification Scheme 2023. Collection method: clinical testing. Allele origin: germline.
Comment: The p.T1980P variant (also known as c.5938A>C), located in coding exon 10 of the BRCA2 gene, results from an A to C substitution at nucleotide position 5938. The threonine at codon 1980 is replaced by proline, an amino acid with highly similar properties. This amino acid position is highly conserved in available vertebrate species. In addition, this alteration is predicted to be deleterious by in silico analysis. Since supporting evidence is limited at this time, the clinical significance of this alteration remains unclear.

Literature cited by the submitters: PubMed 33471991 (cited by 3 submitters).